The following is an entry in ClinVar:

ClinVar aggregate classification (germline): Uncertain significance (1 of 4 stars; one submission).

Conditions:
Congenital myasthenic syndrome 8. Also called: MYASTHENIC SYNDROME, CONGENITAL, DUE TO AGRIN DEFICIENCY; Myasthenic syndrome, congenital, 8, with pre- and postsynaptic defects. Identifiers: Orphanet 590, MedGen C3808739, MONDO:0014052, OMIM 615120.

Allele frequency attached by ClinVar (database versions not stated): gnomAD 0.00001.
gnomAD v4.1: 1 of 1,612,642 alleles (0.000062%); highest among the groups gnomAD compares: Non-Finnish European, 0.000085%; no homozygotes.

Submission:

Labcorp Genetics (formerly Invitae), Labcorp
Classification: Uncertain significance for Congenital myasthenic syndrome 8. Last evaluated: 2023-03-08. Review status: criteria provided, single submitter. Criteria: Invitae Variant Classification Sherloc (09022015). Collection method: clinical testing. Allele origin: germline.
Comment: This variant has not been reported in the literature in individuals affected with AGRN-related conditions. This variant is present in population databases (no rsID available, gnomAD 0.007%). This sequence change replaces histidine, which is basic and polar, with glutamine, which is neutral and polar, at codon 765 of the AGRN protein (p.His765Gln). An algorithm developed to predict the effect of missense changes on protein structure and function (PolyPhen-2) suggests that this variant is likely to be tolerated. In summary, the available evidence is currently insufficient to determine the role of this variant in disease. Therefore, it has been classified as a Variant of Uncertain Significance.

NM_198576.4(AGRN):c.2295C>G (p.His765Gln)

Gene: AGRN (agrin; plus strand). Cytogenetic location: 1p36.33.
Variant type: single nucleotide variant.
Coding change: c.2295C>G on transcript NM_198576.4 (MANE Select); coding-DNA position 2295, C replaced by G.
Protein change: p.His765Gln; replaces histidine 765 with glutamine.
Molecular consequence: missense variant.
Genome position (GRCh38, 1-based): chr1:1,045,201, C>G. VCF-style: chr1-1045201-C-G. GRCh37 (hg19) VCF-style: chr1-980581-C-G.
Other names: c.2295C>G, p.His765Gln (NM_001305275.2); c.1980C>G, p.His660Gln (NM_001364727.2); short protein forms H765Q, H660Q.
Identifiers: ClinVar variation 3007402 (VCV003007402.3), dbSNP rs1175341384, ClinGen allele CA337838570.